The following is an entry in ClinVar:

ClinVar aggregate classification (germline): Conflicting classifications of pathogenicity. Review status: criteria provided, conflicting classifications (1 of 4 stars). 3 submissions from 3 submitters: Uncertain significance (1); Likely benign (1). 1 of the submissions does not count toward it. Last evaluated 2025-12-29.

Conditions:
LONP1-related disorder. Also called: LONP1-related condition; LONP1-related disorders.

Allele frequency attached by ClinVar (database versions not stated): gnomAD exomes 0.00011 and 0.00024; ExAC 0.00035; 1000 Genomes Project 0.00100; TOPMed 0.00110; gnomAD 0.00111 and 0.00119; 1000 Genomes Project 30x 0.00125; ESP Exome Variant Server 0.00123.
gnomAD v4.1: 335 of 1,611,688 alleles (0.021%); highest among the groups gnomAD compares: African/African-American, 0.4%; 3 homozygotes.

Submissions (3):

Labcorp Genetics (formerly Invitae), Labcorp
Classification: Likely benign. Last evaluated: 2025-12-29. Review status: criteria provided, single submitter. Criteria: Invitae Variant Classification Sherloc (09022015). Collection method: clinical testing. Allele origin: germline.

GeneDx
Classification: Uncertain significance. Last evaluated: 2021-06-23. Review status: criteria provided, single submitter. Criteria: GeneDx Variant Classification Process June 2021. Collection method: clinical testing. Allele origin: germline. Affected: yes.
Comment: In silico analysis supports that this missense variant has a deleterious effect on protein structure/function; Has not been previously published as pathogenic or benign to our knowledge; This variant is associated with the following publications: (PMID: 27535533)

PreventionGenetics, part of Exact Sciences
Classification: Likely benign for LONP1-related condition. Last evaluated: 2022-06-12. Review status: no assertion criteria provided. Collection method: clinical testing. Allele origin: germline. Not counted in ClinVar's aggregate classification.
Comment: This variant is classified as likely benign based on ACMG/AMP sequence variant interpretation guidelines (Richards et al. 2015 PMID: 25741868, with internal and published modifications).

NM_004793.4(LONP1):c.2711G>A (p.Arg904His)

Gene: LONP1 (lon peptidase 1, mitochondrial; minus strand). Cytogenetic location: 19p13.3.
Variant type: single nucleotide variant.
Coding change: c.2711G>A on transcript NM_004793.4 (MANE Select); coding-DNA position 2711, G replaced by A.
Protein change: p.Arg904His; replaces arginine 904 with histidine.
Molecular consequence: missense variant. On other transcripts: non-coding transcript variant (1).
Genome position (GRCh38, 1-based): chr19:5,692,201, C>T on the plus strand (G>A on the coding strand, the complement: LONP1 is on the minus strand). VCF-style: chr19-5692201-C-T. GRCh37 (hg19) VCF-style: chr19-5692212-C-T.
Other names: c.2519G>A, p.Arg840His (NM_001276479.2); c.2123G>A, p.Arg708His (NM_001276480.1); short protein forms R840H, R904H, R708H.
Identifiers: ClinVar variation 757038 (VCV000757038.14), dbSNP rs112807920, ClinGen allele CA9113989.
Genomic context (GRCh38, chr19:5,692,201, plus strand): 5'-GCCAGGTCGTAGAAGTCCTTCTTGTTCTCGGCTGGCAGGACGATGCACGTCACCCCTGCG[C>T]GCTTGGCCTGGGGGCAGAGTCAGGGTCAGCCCTGCCTGGGCCTGTGGGAGGGCAGCAGGT-3'
Protein context (NP_004784.2, residues 894-914): GIKEKTIAAK[Arg904His]AGVTCIVLPA